The following is an entry in ClinVar:

NM_030632.3(ASXL3):c.4282A>T (p.Ser1428Cys)

Gene: ASXL3 (ASXL transcriptional regulator 3; plus strand). Cytogenetic location: 18q12.1.
Variant type: single nucleotide variant.
Coding change: c.4282A>T on transcript NM_030632.3 (MANE Select); coding-DNA position 4282, A replaced by T.
Protein change: p.Ser1428Cys; replaces serine 1428 with cysteine.
Molecular consequence: missense variant.
Genome position (GRCh38, 1-based): chr18:33,744,130, A>T. VCF-style: chr18-33744130-A-T. GRCh37 (hg19) VCF-style: chr18-31324094-A-T.
Other names: short protein forms S1428C.
Identifiers: ClinVar variation 3602141 (VCV003602141.1).

ClinVar aggregate classification (germline): Uncertain significance (1 of 4 stars; one submission).

Submission:

GeneDx
Classification: Uncertain significance. Last evaluated: 2024-08-03. Review status: criteria provided, single submitter. Criteria: GeneDx Variant Classification Process June 2021. Collection method: clinical testing. Allele origin: germline. Affected: yes.
Comment: Not observed at significant frequency in large population cohorts (gnomAD); In silico analysis indicates that this missense variant does not alter protein structure/function; Has not been previously published as pathogenic or benign to our knowledge